The following is an entry in ClinVar:

ClinVar aggregate classification (germline): Uncertain significance (1 of 4 stars; one submission).

Allele frequency attached by ClinVar (database versions not stated): gnomAD 0.00002; TOPMed 0.00003.

Submission:

Labcorp Genetics (formerly Invitae), Labcorp
Classification: Uncertain significance. Last evaluated: 2022-03-04. Review status: criteria provided, single submitter. Criteria: Invitae Variant Classification Sherloc (09022015). Collection method: clinical testing. Allele origin: germline.
Comment: This sequence change replaces valine, which is neutral and non-polar, with methionine, which is neutral and non-polar, at codon 636 of the HPS6 protein (p.Val636Met). This variant is present in population databases (no rsID available, gnomAD 0.004%). This variant has not been reported in the literature in individuals affected with HPS6-related conditions. Algorithms developed to predict the effect of missense changes on protein structure and function output the following: SIFT: "Deleterious"; PolyPhen-2: "Benign"; Align-GVGD: "Class C0". The methionine amino acid residue is found in multiple mammalian species, which suggests that this missense change does not adversely affect protein function. In summary, the available evidence is currently insufficient to determine the role of this variant in disease. Therefore, it has been classified as a Variant of Uncertain Significance.

NM_024747.6(HPS6):c.1906G>A (p.Val636Met)

Gene: HPS6 (HPS6 biogenesis of lysosomal organelles complex 2 subunit 3; plus strand). Cytogenetic location: 10q24.32.
Variant type: single nucleotide variant.
Coding change: c.1906G>A on transcript NM_024747.6 (MANE Select); coding-DNA position 1906, G replaced by A.
Protein change: p.Val636Met; replaces valine 636 with methionine.
Molecular consequence: missense variant.
Genome position (GRCh38, 1-based): chr10:102,067,380, G>A. VCF-style: chr10-102067380-G-A. GRCh37 (hg19) VCF-style: chr10-103827137-G-A.
Other names: short protein forms V636M.
Identifiers: ClinVar variation 1910775 (VCV001910775.2), dbSNP rs992791344, ClinGen allele CA212202041.